The following is an entry in ClinVar:

NC_000017.10:g.(?_7846709)_(8000124_?)dup

Genes: CNTROB (centrobin, centriole duplication and spindle assembly protein; plus strand), ALOXE3 (arachidonate epidermal lipoxygenase 3; minus strand), GUCY2D (guanylate cyclase 2D, retinal; plus strand), ALOX15B (arachidonate 15-lipoxygenase type B; plus strand), ALOX12B (arachidonate 12-lipoxygenase, 12R type; minus strand). Cytogenetic location: 17p13.1.
Variant type: Duplication.
Identifiers: ClinVar variation 1035220 (VCV001035220.2).

ClinVar aggregate classification (germline): Uncertain significance (1 of 4 stars; one submission).

Conditions:
Cone-rod dystrophy 6 (CORD6). Also called: RETINAL CONE DYSTROPHY 2; Cone dystrophy progressive. Identifiers: Orphanet 1872, MedGen C1866293, MONDO:0011143, OMIM 601777.
Leber congenital amaurosis 1 (LCA1). Also called: Congenital absence of the rods and cones; Leber's congenital tapetoretinal degeneration; Leber's congenital tapetoretinal dysplasia; RETINAL BLINDNESS, CONGENITAL; AMAUROSIS CONGENITA OF LEBER I. Identifiers: Orphanet 65, MedGen C2931258, MONDO:0008764, OMIM 204000.

Submission:

Labcorp Genetics (formerly Invitae), Labcorp
Classification: Uncertain significance for Leber congenital amaurosis 1; Cone-rod dystrophy 6. Last evaluated: 2022-09-13. Review status: criteria provided, single submitter. Criteria: Invitae Variant Classification Sherloc (09022015). Collection method: clinical testing. Allele origin: germline.
Comment: A copy number gain of the genomic region encompassing the full coding sequence of the GUCY2D gene has been identified. The boundaries of this event are unknown as they extend beyond the assayed region for this gene and therefore may encompass additional genes. As the precise location of this event is unknown, it may be in tandem or it may be located elsewhere in the genome. A similar copy number variant has been observed in individual(s) with clinical features of autosomal dominant inherited retinal dystrophy (Invitae). In summary, the available evidence is currently insufficient to determine the role of this variant in disease. Therefore, it has been classified as a Variant of Uncertain Significance.